The following is an entry in ClinVar:

NM_002529.4(NTRK1):c.376G>A (p.Ala126Thr)

Gene: NTRK1 (neurotrophic receptor tyrosine kinase 1; plus strand). Cytogenetic location: 1q23.1.
Variant type: single nucleotide variant.
Coding change: c.376G>A on transcript NM_002529.4 (MANE Select); coding-DNA position 376, G replaced by A.
Protein change: p.Ala126Thr; replaces alanine 126 with threonine.
Molecular consequence: missense variant.
Genome position (GRCh38, 1-based): chr1:156,866,926, G>A. VCF-style: chr1-156866926-G-A. GRCh37 (hg19) VCF-style: chr1-156836718-G-A.
Other names: c.376G>A (NM_002529.3); c.286G>A, p.Ala96Thr (NM_001007792.1); c.376G>A, p.Ala126Thr (NM_001012331.2); short protein forms A96T, A126T.
Identifiers: ClinVar variation 456619 (VCV000456619.23), dbSNP rs922936206, ClinGen allele CA31106528.

ClinVar aggregate classification (germline): Uncertain significance. Review status: criteria provided, multiple submitters, no conflicts (2 of 4 stars). 5 submissions from 5 submitters: Uncertain significance (4). 1 of the submissions does not count toward it. Last evaluated 2025-11-11.

Conditions:
Hereditary insensitivity to pain with anhidrosis (CIPA). Also called: hereditary sensory and autonomic neuropathy type 4; NEUROPATHY, CONGENITAL SENSORY, WITH ANHIDROSIS; INSENSITIVITY TO PAIN, CONGENITAL, WITH ANHIDROSIS; HSAN Type IV; NTRK1 Congenital Insensitivity to Pain with Anhidrosis; FAMILIAL DYSAUTONOMIA, TYPE II. Identifiers: Orphanet 642, MedGen C0020074, MONDO:0009746, OMIM 256800.
NTRK1-related disorder. Also called: NTRK1-related condition.
Inborn genetic diseases. Identifiers: MedGen C0950123, MeSH D030342.

Allele frequency attached by ClinVar (database versions not stated): TOPMed 0.00001; gnomAD exomes 0.00002 and 0.00005; gnomAD 0.00005 and 0.00006.
gnomAD v4.1: 87 of 1,614,108 alleles (0.0054%); highest among the groups gnomAD compares: Admixed American, 0.013%; no homozygotes.

Submissions (5):

PreventionGenetics, part of Exact Sciences
Classification: Uncertain significance for NTRK1-related condition. Last evaluated: 2025-11-11. Review status: criteria provided, single submitter. Criteria: ACMG Guidelines, 2015. Collection method: clinical testing. Allele origin: germline.
Comment: The NTRK1 c.376G>A variant is predicted to result in the amino acid substitution p.Ala126Thr. To our knowledge, this variant has not been reported in the literature. This variant is reported in 0.0062% of alleles in individuals of African descent in gnomAD. At this time, the clinical significance of this variant is uncertain due to the absence of conclusive functional and genetic evidence.

Ambry Genetics
Classification: Uncertain significance for Inborn genetic diseases. Last evaluated: 2025-04-18. Review status: criteria provided, single submitter. Criteria: Ambry Variant Classification Scheme 2023. Collection method: clinical testing. Allele origin: germline.

CeGaT Center for Human Genetics Tuebingen
Classification: Uncertain significance. Last evaluated: 2024-08-01. Review status: criteria provided, single submitter. Criteria: CeGaT Center For Human Genetics Tuebingen Variant Classification Criteria Version 2. Collection method: clinical testing. Allele origin: germline. Affected: yes. Observed: 1 variant allele.
Comment: NTRK1: PM2, BP4

Labcorp Genetics (formerly Invitae), Labcorp
Classification: Uncertain significance for Hereditary insensitivity to pain with anhidrosis. Last evaluated: 2022-10-28. Review status: criteria provided, single submitter. Criteria: Invitae Variant Classification Sherloc (09022015). Collection method: clinical testing. Allele origin: germline.
Comment: This sequence change replaces alanine, which is neutral and non-polar, with threonine, which is neutral and polar, at codon 126 of the NTRK1 protein (p.Ala126Thr). This variant is present in population databases (no rsID available, gnomAD 0.007%). This variant has not been reported in the literature in individuals affected with NTRK1-related conditions. ClinVar contains an entry for this variant (Variation ID: 456619). Advanced modeling of protein sequence and biophysical properties (such as structural, functional, and spatial information, amino acid conservation, physicochemical variation, residue mobility, and thermodynamic stability) has been performed at Invitae for this missense variant, however the output from this modeling did not meet the statistical confidence thresholds required to predict the impact of this variant on NTRK1 protein function. In summary, the available evidence is currently insufficient to determine the role of this variant in disease. Therefore, it has been classified as a Variant of Uncertain Significance.

Natera, Inc.
Classification: Uncertain significance for Hereditary insensitivity to pain with anhidrosis. Last evaluated: 2020-04-17. Review status: no assertion criteria provided. Collection method: clinical testing. Allele origin: germline. Not counted in ClinVar's aggregate classification.